The following is an entry in ClinVar:

NM_001127208.3(TET2):c.2714A>C (p.Asp905Ala)

Genes: TET2 (tet methylcytosine dioxygenase 2; plus strand), TET2-AS1 (TET2 antisense RNA 1; minus strand). Cytogenetic location: 4q24.
Variant type: single nucleotide variant.
Coding change: c.2714A>C on transcript NM_001127208.3 (MANE Select); coding-DNA position 2714, A replaced by C.
Protein change: p.Asp905Ala; replaces aspartic acid 905 with alanine.
Molecular consequence: missense variant.
Genome position (GRCh38, 1-based): chr4:105,236,656, A>C. VCF-style: chr4-105236656-A-C. GRCh37 (hg19) VCF-style: chr4-106157813-A-C.
Other names: c.2714A>C, p.Asp905Ala (NM_017628.4); short protein forms D905A.
Identifiers: ClinVar variation 3967663 (VCV003967663.1).
Genomic context (GRCh38, chr4:105,236,656, plus strand): 5'-AACAGGAGCAGAAGTCACAACAAGCTTCAGTTCTACAGGGATATAAAAATAGAAACCAAG[A>C]TATGTCTGGTCAACAAGCTGCGCAACTTGCTCAGCAAAGGTACTTGATACATAACCATGC-3'
Protein context (NP_001120680.1, residues 895-915): VLQGYKNRNQ[Asp905Ala]MSGQQAAQLA

ClinVar aggregate classification (germline): Uncertain significance (1 of 4 stars; one submission).

Submission:

Ambry Genetics
Classification: Uncertain significance. Last evaluated: 2025-05-23. Review status: criteria provided, single submitter. Criteria: Ambry Variant Classification Scheme 2023. Collection method: clinical testing. Allele origin: germline.
Comment: The p.D905A variant (also known as c.2714A>C), located in coding exon 1 of the TET2 gene, results from an A to C substitution at nucleotide position 2714. The aspartic acid at codon 905 is replaced by alanine, an amino acid with dissimilar properties. This amino acid position is conserved. In addition, this alteration is predicted to be tolerated by in silico analysis. Based on the available evidence, the clinical significance of this variant remains unclear.